The following is an entry in ClinVar:

NM_017882.3(CLN6):c.90C>T (p.Gly30=)

Gene: CLN6 (CLN6 transmembrane ER protein; minus strand). Cytogenetic location: 15q23.
Variant type: single nucleotide variant.
Coding change: c.90C>T on transcript NM_017882.3 (MANE Select); coding-DNA position 90, C replaced by T.
Protein change: p.Gly30=; no amino-acid change (glycine 30 retained).
Molecular consequence: synonymous variant.
Genome position (GRCh38, 1-based): chr15:68,218,644, G>A on the plus strand (C>T on the coding strand, the complement: CLN6 is on the minus strand). VCF-style: chr15-68218644-G-A. GRCh37 (hg19) VCF-style: chr15-68510982-G-A.
Identifiers: ClinVar variation 506703 (VCV000506703.9), dbSNP rs1254460869, ClinGen allele CA490915943.

ClinVar aggregate classification (germline): Likely benign. Review status: criteria provided, multiple submitters, no conflicts (2 of 4 stars). 2 submissions from 2 submitters: Likely benign (2). Last evaluated 2024-11-05.

Conditions:
Neuronal ceroid lipofuscinosis. Also called: Neuronal Ceroid Lipofuscinoses. Identifiers: Orphanet 216, Orphanet 79263, MedGen C0027877, MONDO:0016295. Disease mechanism: loss of function.

Allele frequency attached by ClinVar (database versions not stated): TOPMed below 0.00001; gnomAD 0.00001.
gnomAD v4.1: 4 of 1,612,552 alleles (0.00025%); highest among the groups gnomAD compares: Non-Finnish European, 0.00034%; no homozygotes.

Submissions (2):

Labcorp Genetics (formerly Invitae), Labcorp
Classification: Likely benign for Neuronal ceroid lipofuscinosis. Last evaluated: 2024-11-05. Review status: criteria provided, single submitter. Criteria: Invitae Variant Classification Sherloc (09022015). Collection method: clinical testing. Allele origin: germline.

GeneDx
Classification: Likely benign. Last evaluated: 2017-12-28. Review status: criteria provided, single submitter. Criteria: GeneDx Variant Classification (06012015). Collection method: clinical testing. Allele origin: germline. Affected: yes.
Comment: This variant is considered likely benign or benign based on one or more of the following criteria: it is a conservative change, it occurs at a poorly conserved position in the protein, it is predicted to be benign by multiple in silico algorithms, and/or has population frequency not consistent with disease.